The following is an entry in ClinVar:

ClinVar aggregate classification (germline): Conflicting classifications of pathogenicity. Review status: criteria provided, conflicting classifications (1 of 4 stars). 2 submissions from 2 submitters: Uncertain significance (1); Likely benign (1). Last evaluated 2025-02-13.

Conditions:
Neuroblastoma, susceptibility to, 3. Also called: ALK-Related Neuroblastic Tumor Susceptibility. Identifiers: Orphanet 635, MedGen C2751681, MONDO:0013083, OMIM 613014.
Hereditary cancer-predisposing syndrome. Also called: Neoplastic Syndromes, Hereditary; Hereditary Cancer Syndrome; Tumor predisposition; Hereditary neoplastic syndrome. Identifiers: Orphanet 140162, MedGen C0027672, MeSH D009386, MONDO:0015356.

gnomAD v4.1: 1 of 1,614,096 alleles (0.000062%); highest among the groups gnomAD compares: Non-Finnish European, 0.000085%; no homozygotes.

Submissions (2):

Ambry Genetics
Classification: Likely benign for Hereditary cancer-predisposing syndrome. Last evaluated: 2025-02-13. Review status: criteria provided, single submitter. Criteria: Ambry Variant Classification Scheme 2023. Collection method: clinical testing. Allele origin: germline.

Labcorp Genetics (formerly Invitae), Labcorp
Classification: Uncertain significance for Neuroblastoma, susceptibility to, 3. Last evaluated: 2022-10-16. Review status: criteria provided, single submitter. Criteria: Invitae Variant Classification Sherloc (09022015). Collection method: clinical testing. Allele origin: germline.
Comment: This variant is not present in population databases (gnomAD no frequency). This sequence change replaces glutamic acid, which is acidic and polar, with aspartic acid, which is acidic and polar, at codon 275 of the ALK protein (p.Glu275Asp). In summary, the available evidence is currently insufficient to determine the role of this variant in disease. Therefore, it has been classified as a Variant of Uncertain Significance. Algorithms developed to predict the effect of missense changes on protein structure and function are either unavailable or do not agree on the potential impact of this missense change (SIFT: "Deleterious"; PolyPhen-2: "Probably Damaging"; Align-GVGD: "Class C0"). ClinVar contains an entry for this variant (Variation ID: 1035164). This variant has not been reported in the literature in individuals affected with ALK-related conditions.

NM_004304.5(ALK):c.825G>T (p.Glu275Asp)

Gene: ALK (ALK receptor tyrosine kinase; minus strand). Cytogenetic location: 2p23.2.
Variant type: single nucleotide variant.
Coding change: c.825G>T on transcript NM_004304.5 (MANE Select); coding-DNA position 825, G replaced by T.
Protein change: p.Glu275Asp; replaces glutamic acid 275 with aspartic acid.
Molecular consequence: missense variant.
Genome position (GRCh38, 1-based): chr2:29,694,977, C>A on the plus strand (G>T on the coding strand, the complement: ALK is on the minus strand). VCF-style: chr2-29694977-C-A. GRCh37 (hg19) VCF-style: chr2-29917843-C-A.
Other names: c.825G>T (NM_004304.4); short protein forms E275D.
Identifiers: ClinVar variation 1035164 (VCV001035164.9), dbSNP rs924625340, ClinGen allele CA44976850.